The following is an entry in ClinVar:

NM_001267550.2(TTN):c.103699G>T (p.Asp34567Tyr)

Genes: TTN (titin; minus strand), TTN-AS1 (TTN antisense RNA 1; plus strand). Cytogenetic location: 2q31.2.
Variant type: single nucleotide variant.
Coding change: c.103699G>T on transcript NM_001267550.2 (MANE Select); coding-DNA position 103699, G replaced by T.
Protein change: p.Asp34567Tyr; replaces aspartic acid 34567 with tyrosine.
Molecular consequence: missense variant.
Genome position (GRCh38, 1-based): chr2:178,532,916, C>A on the plus strand (G>T on the coding strand, the complement: TTN is on the minus strand). VCF-style: chr2-178532916-C-A. GRCh37 (hg19) VCF-style: chr2-179397643-C-A.
Other names: c.98776G>T, p.Asp32926Tyr (NM_001256850.1); c.76504G>T, p.Asp25502Tyr (NM_003319.4); c.95995G>T, p.Asp31999Tyr (NM_133378.4); c.76879G>T, p.Asp25627Tyr (NM_133432.3); c.77080G>T, p.Asp25694Tyr (NM_133437.4); short protein forms D25502Y, D25627Y, D25694Y, D31999Y, D32926Y, D34567Y.
Identifiers: ClinVar variation 2437847 (VCV002437847.6), dbSNP rs2468470508, ClinGen allele CA349413706.

ClinVar aggregate classification (germline): Uncertain significance. Review status: criteria provided, multiple submitters, no conflicts (2 of 4 stars). 2 submissions from 2 submitters: Uncertain significance (2). Last evaluated 2023-12-28.

Conditions:
Dilated cardiomyopathy 1G (CMD1G). Identifiers: Orphanet 154, MedGen C1858763, MONDO:0011400, OMIM 604145.
Autosomal recessive limb-girdle muscular dystrophy type 2J (LGMDR10). Also called: MUSCULAR DYSTROPHY, LIMB-GIRDLE, AUTOSOMAL RECESSIVE 10; Limb-girdle muscular dystrophy, type 2J. Identifiers: Orphanet 140922, MedGen C1837342, MONDO:0012127, OMIM 608807.

Submissions (2):

Labcorp Genetics (formerly Invitae), Labcorp
Classification: Uncertain significance for Dilated cardiomyopathy 1G; Autosomal recessive limb-girdle muscular dystrophy type 2J. Last evaluated: 2023-12-28. Review status: criteria provided, single submitter. Criteria: Invitae Variant Classification Sherloc (09022015). Collection method: clinical testing. Allele origin: germline.
Comment: This sequence change replaces aspartic acid, which is acidic and polar, with tyrosine, which is neutral and polar, at codon 34567 of the TTN protein (p.Asp34567Tyr). This variant is not present in population databases (gnomAD no frequency). This variant has not been reported in the literature in individuals affected with TTN-related conditions. ClinVar contains an entry for this variant (Variation ID: 2437847). Experimental studies and prediction algorithms are not available or were not evaluated, and the functional significance of this variant is currently unknown. This variant is located in the M band of TTN (PMID: 25589632). Non-truncating variants in this region may be relevant for neuromuscular disorders, but have not been definitively shown to cause cardiomyopathy (PMID: 23975875). In summary, the available evidence is currently insufficient to determine the role of this variant in disease. Therefore, it has been classified as a Variant of Uncertain Significance.

Revvity Omics, Revvity
Classification: Uncertain significance. Last evaluated: 2019-12-16. Review status: criteria provided, single submitter. Criteria: ACMG Guidelines, 2015. Collection method: clinical testing. Allele origin: germline.

Literature cited by the submitters: PubMed 25589632 (cited by Labcorp Genetics (formerly Invitae), Labcorp); PubMed 23975875 (cited by Labcorp Genetics (formerly Invitae), Labcorp).